The following is an entry in ClinVar:

NM_198253.3(TERT):c.968C>G (p.Pro323Arg)

Gene: TERT (telomerase reverse transcriptase; minus strand). Cytogenetic location: 5p15.33.
Variant type: single nucleotide variant.
Coding change: c.968C>G on transcript NM_198253.3 (MANE Select); coding-DNA position 968, C replaced by G.
Protein change: p.Pro323Arg; replaces proline 323 with arginine.
Molecular consequence: missense variant. On other transcripts: non-coding transcript variant (2).
Genome position (GRCh38, 1-based): chr5:1,293,918, G>C on the plus strand (C>G on the coding strand, the complement: TERT is on the minus strand). VCF-style: chr5-1293918-G-C. GRCh37 (hg19) VCF-style: chr5-1294033-G-C.
Other names: c.968C>G, p.Pro323Arg (NM_001193376.3); short protein forms P323R.
Identifiers: ClinVar variation 471906 (VCV000471906.20), dbSNP rs139342764, ClinGen allele CA3184884.

ClinVar aggregate classification (germline): Conflicting classifications of pathogenicity. Review status: criteria provided, conflicting classifications (1 of 4 stars). 8 submissions from 6 submitters: Uncertain significance (7); Likely benign (1). Last evaluated 2025-10-07.

Conditions:
Dyskeratosis congenita, autosomal dominant 2. Identifiers: MedGen C3151443, MONDO:0013521, OMIM 613989.
Idiopathic Pulmonary Fibrosis. Also called: Idiopathic fibrosing alveolitis, chronic form; idiopathic fibrosing alveolitis. Identifiers: Orphanet 2032, MedGen C1800706, MeSH D054990, MONDO:0800504.
Pulmonary fibrosis and/or bone marrow failure, Telomere-related, 1. Also called: PULMONARY FIBROSIS AND/OR BONE MARROW FAILURE SYNDROME, TELOMERE-RELATED, 1. Identifiers: Orphanet 88, MedGen C3553617, MONDO:0013878, OMIM 614742.
Acute myeloid leukemia (AML). Also called: Leukemia, acute myeloid, somatic; Leukemia, acute myelogenous, somatic; Acute myeloid leukemia, adult; AML adult; Acute non-lymphocytic leukemia; Acute granulocytic leukemia. Identifiers: Orphanet 519, MedGen C0023467, MeSH D015470, MONDO:0018874, OMIM 601626, HP:0004808. Disease mechanism: Constitutively activated FLT3.
Melanoma, cutaneous malignant, susceptibility to, 9. Also called: Cutaneous malignant melanoma 9. Identifiers: Orphanet 618, MedGen C3554574, MONDO:0014056, OMIM 615134.
Dyskeratosis congenita. Identifiers: Orphanet 1775, MedGen C0265965, MONDO:0015780.
Aplastic anemia. Identifiers: Orphanet 182040, Orphanet 88, MedGen C0002874, MONDO:0015909, OMIM 609135, HP:0001915.

Allele frequency attached by ClinVar (database versions not stated): gnomAD 0.00003; ExAC 0.00005; TOPMed 0.00006; ESP Exome Variant Server 0.00008.
gnomAD v4.1: 98 of 1,542,122 alleles (0.0064%); highest among the groups gnomAD compares: Non-Finnish European, 0.0078%; no homozygotes.

Submissions (8):

Ambry Genetics
Classification: Uncertain significance for Dyskeratosis congenita. Last evaluated: 2025-10-07. Review status: criteria provided, single submitter. Criteria: Ambry Variant Classification Scheme 2023. Collection method: clinical testing. Allele origin: germline.
Comment: The p.P323R variant (also known as c.968C>G), located in coding exon 2 of the TERT gene, results from a C to G substitution at nucleotide position 968. The proline at codon 323 is replaced by arginine, an amino acid with dissimilar properties. This amino acid position is poorly conserved in available vertebrate species. In addition, this alteration is predicted to be tolerated by in silico analysis. Based on the available evidence, the clinical significance of this variant remains unclear.

Labcorp Genetics (formerly Invitae), Labcorp
Classification: Uncertain significance for Dyskeratosis congenita, autosomal dominant 2; Idiopathic Pulmonary Fibrosis. Last evaluated: 2025-09-14. Review status: criteria provided, single submitter. Criteria: Invitae Variant Classification Sherloc (09022015). Collection method: clinical testing. Allele origin: germline.
Comment: This sequence change replaces proline, which is neutral and non-polar, with arginine, which is basic and polar, at codon 323 of the TERT protein (p.Pro323Arg). This variant is present in population databases (rs139342764, gnomAD 0.02%). This variant has not been reported in the literature in individuals affected with TERT-related conditions. ClinVar contains an entry for this variant (Variation ID: 471906). Invitae Evidence Modeling of protein sequence and biophysical properties (such as structural, functional, and spatial information, amino acid conservation, physicochemical variation, residue mobility, and thermodynamic stability) indicates that this missense variant is not expected to disrupt TERT protein function with a negative predictive value of 95%. In summary, the available evidence is currently insufficient to determine the role of this variant in disease. Therefore, it has been classified as a Variant of Uncertain Significance.

GeneDx
Classification: Uncertain significance. Last evaluated: 2025-06-18. Review status: criteria provided, single submitter. Criteria: GeneDx Variant Classification Process June 2021. Collection method: clinical testing. Allele origin: germline. Affected: yes.
Comment: In silico analysis supports that this missense variant does not alter protein structure/function; Not observed in any cases, but was observed in unaffected controls from a familial breast cancer study (PMID: 29316957); This variant is associated with the following publications: (PMID: 28539123, 29316957)

Fulgent Genetics
Classification: Uncertain significance for Acute myeloid leukemia; Dyskeratosis congenita, autosomal dominant 2; Pulmonary fibrosis and/or bone marrow failure, Telomere-related, 1; Melanoma, cutaneous malignant, susceptibility to, 9. Last evaluated: 2024-02-23. Review status: criteria provided, single submitter. Criteria: ACMG Guidelines, 2015. Collection method: clinical testing. Allele origin: germline.

Blueprint Genetics
Classification: Likely benign. Last evaluated: 2023-05-12. Review status: criteria provided, single submitter. Criteria: ACMG Guidelines, 2015. Collection method: clinical testing. Allele origin: germline.

Illumina Laboratory Services, Illumina
Classification: Uncertain significance for Aplastic anemia. Last evaluated: 2018-01-13. Review status: criteria provided, single submitter. Criteria: ICSL Variant Classification Criteria 13 December 2019. Collection method: clinical testing. Allele origin: germline.

Illumina Laboratory Services, Illumina
Classification: Uncertain significance for Dyskeratosis congenita, autosomal dominant 2. Last evaluated: 2018-01-13. Review status: criteria provided, single submitter. Criteria: ICSL Variant Classification Criteria 13 December 2019. Collection method: clinical testing. Allele origin: germline.

Illumina Laboratory Services, Illumina
Classification: Uncertain significance for Pulmonary fibrosis and/or bone marrow failure, Telomere-related, 1. Last evaluated: 2018-01-13. Review status: criteria provided, single submitter. Criteria: ICSL Variant Classification Criteria 13 December 2019. Collection method: clinical testing. Allele origin: germline.